The following is an entry in ClinVar:

NM_016373.4(WWOX):c.311G>A (p.Arg104Gln)

Gene: WWOX (WW domain containing oxidoreductase; plus strand). Cytogenetic location: 16q23.1.
Variant type: single nucleotide variant.
Coding change: c.311G>A on transcript NM_016373.4 (MANE Select); coding-DNA position 311, G replaced by A.
Protein change: p.Arg104Gln; replaces arginine 104 with glutamine.
Molecular consequence: missense variant. On other transcripts: 5 prime UTR variant (1), non-coding transcript variant (1).
Genome position (GRCh38, 1-based): chr16:78,115,056, G>A. VCF-style: chr16-78115056-G-A. GRCh37 (hg19) VCF-style: chr16-78148953-G-A.
Other names: c.311G>A (NM_016373.2); c.-29G>A (NM_001291997.2); c.311G>A, p.Arg104Gln (NM_130791.5); short protein forms R104Q.
Identifiers: ClinVar variation 971315 (VCV000971315.14), dbSNP rs199625891, ClinGen allele CA8183152.

ClinVar aggregate classification (germline): Conflicting classifications of pathogenicity. Review status: criteria provided, conflicting classifications (1 of 4 stars). 3 submissions from 3 submitters: Uncertain significance (2); Likely benign (1). Last evaluated 2026-03-23.

Conditions:
Inborn genetic diseases. Identifiers: MedGen C0950123, MeSH D030342.
Developmental and epileptic encephalopathy, 1 (DEE1). Also called: Epileptic encephalopathy, early infantile, 1; X-linked infantile spasms; West's syndrome; Tonic spasms with clustering, arrest of psychomotor development and hypsarrhythmia on EEG; X-Linked Infantile Spasm Syndrome; OHTAHARA SYNDROME, X-LINKED. Identifiers: MedGen C3463992, MONDO:0010632, OMIM 308350. Disease mechanism: loss of function.
Autosomal recessive spinocerebellar ataxia 12. Also called: SPINOCEREBELLAR ATAXIA WITH MENTAL RETARDATION AND EPILEPSY. Identifiers: Orphanet 284282, MedGen C3280452, MONDO:0013687, OMIM 614322.

Allele frequency attached by ClinVar (database versions not stated): gnomAD exomes 0.00002 and 0.00006; ExAC 0.00008; 1000 Genomes Project 30x 0.00016; 1000 Genomes Project 0.00020; TOPMed 0.00006; gnomAD 0.00009; ESP Exome Variant Server 0.00008.
gnomAD v4.1: 46 of 1,614,126 alleles (0.0028%); highest among the groups gnomAD compares: Admixed American, 0.037%; no homozygotes.

Submissions (3):

GeneDx
Classification: Uncertain significance. Last evaluated: 2026-03-23. Review status: criteria provided, single submitter. Criteria: GeneDx Variant Classification Process June 2021. Collection method: clinical testing. Allele origin: germline.
Comment: In silico analysis suggests that this missense variant does not alter protein structure/function; Has not been previously published as pathogenic or benign to our knowledge

Labcorp Genetics (formerly Invitae), Labcorp
Classification: Uncertain significance for Developmental and epileptic encephalopathy, 1; Autosomal recessive spinocerebellar ataxia 12. Last evaluated: 2022-08-12. Review status: criteria provided, single submitter. Criteria: Invitae Variant Classification Sherloc (09022015). Collection method: clinical testing. Allele origin: germline.
Comment: This sequence change replaces arginine, which is basic and polar, with glutamine, which is neutral and polar, at codon 104 of the WWOX protein (p.Arg104Gln). This variant is present in population databases (rs199625891, gnomAD 0.03%). This variant has not been reported in the literature in individuals affected with WWOX-related conditions. ClinVar contains an entry for this variant (Variation ID: 971315). Algorithms developed to predict the effect of missense changes on protein structure and function output the following: SIFT: "Not Available"; PolyPhen-2: "Benign"; Align-GVGD: "Not Available". The glutamine amino acid residue is found in multiple mammalian species, which suggests that this missense change does not adversely affect protein function. In summary, the available evidence is currently insufficient to determine the role of this variant in disease. Therefore, it has been classified as a Variant of Uncertain Significance.

Ambry Genetics
Classification: Likely benign for Inborn genetic diseases. Last evaluated: 2021-08-13. Review status: criteria provided, single submitter. Criteria: Ambry Variant Classification Scheme 2023. Collection method: clinical testing. Allele origin: germline.